The following is an entry in ClinVar:

NM_024426.6(WT1):c.546C>A (p.Tyr182Ter)

Genes: WT1 (WT1 transcription factor; minus strand), LOC107982234 (WT1/WT1-AS bi-directional promoter region; plus strand). Cytogenetic location: 11p13.
Variant type: single nucleotide variant.
Coding change: c.546C>A on transcript NM_024426.6 (MANE Select); coding-DNA position 546, C replaced by A.
Protein change: p.Tyr182Ter; replaces tyrosine 182 with a stop codon.
Molecular consequence: nonsense. On other transcripts: non-coding transcript variant (1).
Genome position (GRCh38, 1-based): chr11:32,434,815, G>T on the plus strand (C>A on the coding strand, the complement: WT1 is on the minus strand). VCF-style: chr11-32434815-G-T. GRCh37 (hg19) VCF-style: chr11-32456361-G-T.
Other names: WT1, TYR109TER; c.546C>A, p.Tyr182Ter (NM_000378.6, NM_024424.5); short protein forms Y182*.
Identifiers: ClinVar variation 3506 (VCV000003506.5), dbSNP rs121907911, ClinGen allele CA016351.

ClinVar aggregate classification (germline): Pathogenic. Review status: criteria provided, single submitter (1 of 4 stars). 2 submissions from 2 submitters: Pathogenic (1). 1 of the submissions does not count toward it. Last evaluated 2025-03-10.

Conditions:
WT1-related disorder. Also called: WT1-related disorders. Identifiers: MedGen CN377814.
Wilms tumor 1 (WT1). Also called: Wilms tumor, somatic. Identifiers: Orphanet 654, MedGen CN033288, MONDO:0008679, OMIM 194070.

Submissions (2):

PreventionGenetics, part of Exact Sciences
Classification: Pathogenic for WT1-related condition. Last evaluated: 2025-03-10. Review status: criteria provided, single submitter. Criteria: ACMG Guidelines, 2015. Collection method: clinical testing. Allele origin: germline.
Comment: The WT1 c.531C>A variant is predicted to result in premature protein termination (p.Tyr177*). This variant was reported in a family with Wilms tumor as c.327C>T (p.Tyr109X) (Regev et al. 2008. PubMed ID: 18688870). This variant has not been reported in a large population database (gnomAD), indicating this variant is rare. At the time of reporting this variant has not been interpreted by a clinical laboratory in ClinVar. Nonsense variants in WT1 are expected to be pathogenic. This variant is interpreted as pathogenic.

OMIM
Classification: Pathogenic for WILMS TUMOR 1. Last evaluated: 2008-09-15. Review status: no assertion criteria provided. Collection method: literature only. Allele origin: germline. Not counted in ClinVar's aggregate classification.

Literature cited by the submitters: PubMed 18688870 (cited by OMIM).